The following is an entry in ClinVar:

ClinVar aggregate classification (germline): Uncertain significance (1 of 4 stars; one submission).

Conditions:
Rhabdoid tumor predisposition syndrome 2 (RTPS2). Identifiers: Orphanet 231108, Orphanet 69077, MedGen C2750074, MONDO:0013224, OMIM 613325.

Submission:

Labcorp Genetics (formerly Invitae), Labcorp
Classification: Uncertain significance for Rhabdoid tumor predisposition syndrome 2. Last evaluated: 2020-11-03. Review status: criteria provided, single submitter. Criteria: Invitae Variant Classification Sherloc (09022015). Collection method: clinical testing. Allele origin: germline.
Comment: This variant has not been reported in the literature in individuals with SMARCA4-related conditions. In summary, the available evidence is currently insufficient to determine the role of this variant in disease. Therefore, it has been classified as a Variant of Uncertain Significance. Algorithms developed to predict the effect of missense changes on protein structure and function are either unavailable or do not agree on the potential impact of this missense change (SIFT: "Deleterious"; PolyPhen-2: "Benign"; Align-GVGD: "Class C0"). This variant is not present in population databases (ExAC no frequency). This sequence change replaces lysine with glutamine at codon 1471 of the SMARCA4 protein (p.Lys1471Gln). The lysine residue is highly conserved and there is a small physicochemical difference between lysine and glutamine.

NM_003072.5(SMARCA4):c.4315A>C (p.Lys1439Gln)

Gene: SMARCA4 (SWI/SNF related BAF chromatin remodeling complex subunit ATPase 4; plus strand). Cytogenetic location: 19p13.2.
Variant type: single nucleotide variant.
Coding change: c.4315A>C on transcript NM_003072.5 (MANE Select); coding-DNA position 4315, A replaced by C.
Protein change: p.Lys1439Gln; replaces lysine 1439 with glutamine.
Molecular consequence: missense variant. On other transcripts: non-coding transcript variant (1).
Genome position (GRCh38, 1-based): chr19:11,041,451, A>C. VCF-style: chr19-11041451-A-C. GRCh37 (hg19) VCF-style: chr19-11152127-A-C.
Other names: c.4315A>C, p.Lys1439Gln (NM_001128844.3); c.4225A>C, p.Lys1409Gln (NM_001128845.2, NM_001128846.2); c.4216A>C, p.Lys1406Gln (NM_001128847.4, NM_001128848.2, NM_001374457.1); c.4411A>C, p.Lys1471Gln (NM_001128849.3, NM_001387283.1); short protein forms K1439Q, K1409Q, K1471Q, K1406Q.
Identifiers: ClinVar variation 1470820 (VCV001470820.8), dbSNP rs2146819016, ClinGen allele CA404073807.
Genomic context (GRCh38, chr19:11,041,451, plus strand): 5'-GCCGGCTCCTCCACCCCGACCACCAGCACCCGCAGCCGCGACAAGGACGACGAGAGCAAG[A>C]AGCAGAAGAAGCGCGGGCGGCCGCCTGCCGAGAAACTCTCCCCTAACCCACCCAACCTCA-3'
Protein context (NP_003063.2, residues 1429-1449): RSRDKDDESK[Lys1439Gln]QKKRGRPPAE